The following is an entry in ClinVar:

ClinVar aggregate classification (germline): Conflicting classifications of pathogenicity. Review status: criteria provided, conflicting classifications (1 of 4 stars). 5 submissions from 4 submitters: Uncertain significance (3); Likely benign (1). 1 of the submissions does not count toward it. Last evaluated 2025-11-28.

Conditions:
Diabetes mellitus, transient neonatal, 2 (TNDM2). Identifiers: Orphanet 99886, MedGen C1835887, MONDO:0012480, OMIM 610374. Disease mechanism: loss of function.
Type 2 diabetes mellitus. Also called: Type II diabetes mellitus. Identifiers: MedGen C0011860, MeSH D003924, MONDO:0005148, OMIM 125853, HP:0005978.
Diabetes mellitus, permanent neonatal 3. Also called: ABCC8-Related Permanent Neonatal Diabetes Mellitus. Identifiers: MedGen C5394303, MONDO:0030088, OMIM 618857.
Hyperinsulinemic hypoglycemia, familial, 1 (HHF1). Also called: HYPERINSULINISM, FAMILIAL, WITH PANCREATIC NESIDIOBLASTOSIS; HYPOGLYCEMIA, HYPERINSULINEMIC, OF INFANCY; Persistent hyperinsulinemic hypoglycemia of infancy; Persistent Hyperinsulinemia Hypoglycemia of Infancy; NESIDIOBLASTOSIS OF PANCREAS. Identifiers: Orphanet 276575, Orphanet 276598, MedGen C2931832, MONDO:0009734, OMIM 256450.
Leucine-induced hypoglycemia (LIH). Also called: LEUCINE-SENSITIVE HYPOGLYCEMIA OF INFANCY. Identifiers: MedGen C0271714, MONDO:0009415, OMIM 240800.
Transitory neonatal diabetes mellitus. Also called: Transient neonatal diabetes mellitus. Identifiers: MedGen C0342273, MONDO:0020525, HP:0008255.
Maturity-onset diabetes of the young (MODY). Also called: Maturity onset diabetes mellitus in young. Identifiers: Orphanet 552, MedGen C0342276, MONDO:0018911, HP:0004904.
Hereditary hyperinsulinism.

Allele frequency attached by ClinVar (database versions not stated): gnomAD exomes 0.00005; ExAC 0.00009; 1000 Genomes Project 0.00020; gnomAD below 0.00001 and 0.00001; TOPMed 0.00001.
gnomAD v4.1: 33 of 1,613,504 alleles (0.002%); highest among the groups gnomAD compares: Middle Eastern, 0.049%; no homozygotes.

Submissions (5):

Labcorp Genetics (formerly Invitae), Labcorp
Classification: Likely benign. Last evaluated: 2025-11-28. Review status: criteria provided, single submitter. Criteria: Invitae Variant Classification Sherloc (09022015). Collection method: clinical testing. Allele origin: germline.

Fulgent Genetics
Classification: Uncertain significance for Type 2 diabetes mellitus; Leucine-induced hypoglycemia; Hyperinsulinemic hypoglycemia, familial, 1; Diabetes mellitus, transient neonatal, 2; Diabetes mellitus, permanent neonatal 3. Last evaluated: 2024-01-24. Review status: criteria provided, single submitter. Criteria: ACMG Guidelines, 2015. Collection method: clinical testing. Allele origin: germline.

Clinical Genomics, Uppaluri K&H Personalized Medicine Clinic
Classification: Uncertain significance for Maturity-onset diabetes of the young. Review status: criteria provided, single submitter. Criteria: K & H Uppaluri Personalized Medicine Clinic Variant Classification & Assertion Criteria_Updated V.1. Collection method: research. Allele origin: somatic. Inheritance: Somatic mutation.
Comment: Mutations in ABCC8 gene are associated with both neonatal diabetes mellitus as well as MODY. Patients with this mutation may have a better response to sulfonylureas. However, no sufficient evidence is found to ascertain the role of this particular variant (rs576340695) in MODY yet.

Clinical Genomics, Uppaluri K&H Personalized Medicine Clinic
Classification: Uncertain significance for Transitory neonatal diabetes mellitus. Review status: criteria provided, single submitter. Criteria: K & H Uppaluri Personalized Medicine Clinic Variant Classification & Assertion Criteria_Updated V.1. Collection method: research. Allele origin: somatic. Inheritance: Somatic mutation.
Comment: Mutations in ABCC8 gene are associated with both neonatal diabetes mellitus as well as MODY. Patients with this mutation may have a better response to sulfonylureas. However, no sufficient evidence is found to ascertain the role of this particular variant (rs576340695) in neonatal diabetes yet.

Natera, Inc.
Classification: Uncertain significance for Hereditary hyperinsulinism. Last evaluated: 2020-04-10. Review status: no assertion criteria provided. Collection method: clinical testing. Allele origin: germline. Not counted in ClinVar's aggregate classification.

Literature cited by the submitters: PubMed 16885549 (cited by Clinical Genomics, Uppaluri K&H Personalized Medicine Clinic); PubMed 21989597 (cited by Clinical Genomics, Uppaluri K&H Personalized Medicine Clinic); PubMed 27538677 (cited by Clinical Genomics, Uppaluri K&H Personalized Medicine Clinic); PubMed 18981553 (cited by Clinical Genomics, Uppaluri K&H Personalized Medicine Clinic); PubMed 32027066 (cited by Clinical Genomics, Uppaluri K&H Personalized Medicine Clinic); PubMed 16613899 (cited by Clinical Genomics, Uppaluri K&H Personalized Medicine Clinic); PubMed 18025408 (cited by Clinical Genomics, Uppaluri K&H Personalized Medicine Clinic); PubMed 32792356 (cited by Clinical Genomics, Uppaluri K&H Personalized Medicine Clinic).

NM_000352.6(ABCC8):c.3988+19G>C

Gene: ABCC8 (ATP binding cassette subfamily C member 8; minus strand). Cytogenetic location: 11p15.1.
Variant type: single nucleotide variant.
Coding change: c.3988+19G>C on transcript NM_000352.6 (MANE Select); 19 bases into the intron after coding-DNA position 3988, G replaced by C.
Molecular consequence: intron variant. On other transcripts: non-coding transcript variant (1).
Genome position (GRCh38, 1-based): chr11:17,397,174, C>G on the plus strand (G>C on the coding strand, the complement: ABCC8 is on the minus strand). VCF-style: chr11-17397174-C-G. GRCh37 (hg19) VCF-style: chr11-17418721-C-G.
Other names: c.3985+19G>C (NM_001351297.2); c.3988+19G>C (NM_001351296.2); c.4054+19G>C (NM_001351295.2); c.3991+19G>C (NM_001287174.3).
Identifiers: ClinVar variation 989959 (VCV000989959.7), dbSNP rs576340695, ClinGen allele CA5902623.
Genomic context (GRCh38, chr11:17,397,174, plus strand): 5'-CCCCAGGCTCCCTTGTGGCCCCCAACCCAGACACACTCCTCCTTGGACTCTTCCCCACCC[C>G]TCTCCCTGAGCCTCTCACCCAGGAGCCCCTCGTAGCTCTCTGCCTCGGTTTTCAGGAGCC-3'